The following is an entry in ClinVar:

NC_000023.10:g.(?_154379237)_(154381523_?)del

Gene: EMD (emerin; plus strand). Cytogenetic location: Xq28.
Variant type: Deletion.
Identifiers: ClinVar variation 433172 (VCV000433172.3).

ClinVar aggregate classification (germline): Pathogenic (1 of 4 stars; one submission).

Conditions:
X-linked Emery-Dreifuss muscular dystrophy. Also called: Muscular dystrophy, tardive Emery-Dreifuss type, with contractures. Identifiers: Orphanet 261, Orphanet 98863, MedGen C0751337, MONDO:0010680.

Submission:

Molecular Diagnostics Lab, Nemours Children's Health, Delaware
Classification: Pathogenic for Emery-Dreifuss muscular dystrophy 1, X-linked. Last evaluated: 2016-07-19. Review status: criteria provided, single submitter. Criteria: ACMG Guidelines, 2015. Collection method: clinical testing. Allele origin: maternal, unknown. Affected: yes and no. Observed: 3 heterozygotes, 2 hemizygotes.
Comment: complete EMD gene deletion; breakpoints unknown

Literature cited by the submitters: PubMed 10480214; PubMed 9384614.